The following is an entry in ClinVar:

NM_144997.7(FLCN):c.1432+1G>A

Gene: FLCN (folliculin; minus strand). Cytogenetic location: 17p11.2.
Variant type: single nucleotide variant.
Coding change: c.1432+1G>A on transcript NM_144997.7 (MANE Select); the canonical splice donor site of the intron after coding-DNA position 1432, G replaced by A.
Molecular consequence: splice donor variant.
Genome position (GRCh38, 1-based): chr17:17,215,184, C>T on the plus strand (G>A on the coding strand, the complement: FLCN is on the minus strand). VCF-style: chr17-17215184-C-T. GRCh37 (hg19) VCF-style: chr17-17118498-C-T.
Other names: c.1432+1G>A (NM_001353231.2, NM_001353230.2, NM_144997.6); c.1486+1G>A (NM_001353229.2).
Identifiers: ClinVar variation 253252 (VCV000253252.29), dbSNP rs755959303, ClinGen allele CA10586251.

ClinVar aggregate classification (germline): Pathogenic/Likely pathogenic. Review status: criteria provided, multiple submitters, no conflicts (2 of 4 stars). 10 submissions from 10 submitters: Pathogenic (7); Likely pathogenic (3). Last evaluated 2026-02-13.

Conditions:
Hereditary cancer-predisposing syndrome. Also called: Neoplastic Syndromes, Hereditary; Hereditary Cancer Syndrome; Hereditary neoplastic syndrome; Tumor predisposition. Identifiers: Orphanet 140162, MedGen C0027672, MeSH D009386, MONDO:0015356.
Familial spontaneous pneumothorax (PSP). Identifiers: Orphanet 2903, MedGen C1868193, MONDO:0008259, OMIM 173600.
Nonpapillary renal cell carcinoma. Identifiers: Orphanet 422526, MedGen CN074294, MONDO:0007763, OMIM 144700.
Colorectal cancer. Also called: Colorectal cancer, somatic; Malignant Colorectal Neoplasm. Identifiers: MedGen C0346629, MONDO:0005575, OMIM 114500.
Birt-Hogg-Dube syndrome 1 (BHD1). Also called: FIBROFOLLICULOMAS WITH TRICHODISCOMAS AND ACROCHORDONS. Identifiers: Orphanet 122, MedGen CN375946, MONDO:0800445, OMIM 135150.
Birt-Hogg-Dube syndrome. Also called: Birt Hogg Dubé syndrome. Identifiers: Orphanet 122, MedGen C0346010, MONDO:0800444.

Submissions (10):

Myriad Genetics, Inc.
Classification: Likely pathogenic for Birt-Hogg-Dube syndrome 1. Last evaluated: 2026-02-13. Review status: criteria provided, single submitter. Criteria: Myriad Autosomal Dominant, Autosomal Recessive and X-Linked Classification Criteria (2023). Collection method: clinical testing. Allele origin: unknown.
Comment: This variant is considered likely pathogenic. This variant occurs within a consensus splice junction and is predicted to result in abnormal mRNA splicing of either an out-of-frame exon or an in-frame exon necessary for protein stability and/or normal function.

Labcorp Genetics (formerly Invitae), Labcorp
Classification: Pathogenic for Birt-Hogg-Dube syndrome. Last evaluated: 2025-11-05. Review status: criteria provided, single submitter. Criteria: Invitae Variant Classification Sherloc (09022015). Collection method: clinical testing. Allele origin: germline.
Comment: This sequence change affects a donor splice site in intron 12 of the FLCN gene. RNA analysis indicates that disruption of this splice site induces altered splicing and may result in an absent or altered protein product. This variant is not present in population databases (gnomAD no frequency). Disruption of this splice site has been observed in individual(s) with biopsy confirmed fibrofolliculoma(s) and/or Birt-Hogg-Dubé syndrome (PMID: 18234728, 27356891; internal data). ClinVar contains an entry for this variant (Variation ID: 253252). Studies have shown that disruption of this splice site results in partial exon 12 skipping, and produces a non-functional protein and/or introduces a premature termination codon (internal data). For these reasons, this variant has been classified as Pathogenic.

Women's Health and Genetics/Laboratory Corporation of America, LabCorp
Classification: Pathogenic for Birt-Hogg-Dube syndrome. Last evaluated: 2025-10-10. Review status: criteria provided, single submitter. Criteria: LabCorp Variant Classification Summary - May 2015. Collection method: clinical testing. Allele origin: germline.
Comment: Variant summary: FLCN c.1432+1G>A is located in a canonical splice-site and is predicted to affect mRNA splicing resulting in a significantly altered protein due to either exon skipping, shortening, or inclusion of intronic material. Variants that disrupt the consensus splice site are a relatively common cause of aberrant splicing and loss of FLCN function. Several computational tools predict a significant impact on normal splicing: Five predict the variant abolishes a 5' splicing donor site. However, these predictions have yet to be confirmed by functional studies. The variant was absent in 251332 control chromosomes. c.1432+1G>A has been observed in the heterozygous state in individuals affected with Birt-Hogg-Dube Syndrome or renal cell carcinoma (Toro_2008, Bruinsma_2024, Alaiwi_2021, Dobbins_2016). These data indicate that the variant is likely to be associated with disease. The following publications have been ascertained in the context of this evaluation (PMID: 33789101, 39272843, 27356891, 18234728). ClinVar contains an entry for this variant (Variation ID: 253252). Based on the evidence outlined above, the variant was classified as pathogenic.

Quest Diagnostics Nichols Institute San Juan Capistrano
Classification: Pathogenic. Last evaluated: 2025-02-25. Review status: criteria provided, single submitter. Criteria: Quest Diagnostics criteria. Collection method: clinical testing. Allele origin: unknown.
Comment: The FLCN c.1432+1G>A variant disrupts a canonical splice-donor site and interferes with normal FLCN mRNA splicing. This variant has been reported in the published literature in individuals with colorectal cancer (PMID: 27356891 (2016)), renal cell carcinoma (PMID: 39272843 (2024)), and Birt-Hogg-Dube syndrome (PMID: 37417625 (2023), 18234728 (2008)). This variant has not been reported in large, multi-ethnic general populations (Genome Aggregation Database). Based on the available information, this variant is classified as pathogenic.

Ambry Genetics
Classification: Pathogenic for Hereditary cancer-predisposing syndrome. Last evaluated: 2025-02-12. Review status: criteria provided, single submitter. Criteria: Ambry Variant Classification Scheme 2023. Collection method: clinical testing. Allele origin: germline.
Comment: The c.1432+1G>A intronic pathogenic mutation results from a G to A substitution one nucleotide after coding exon 9 of the FLCN gene. This alteration has been identified in an individual with a personal history of lung cysts, pneumothorax and skin findings characteristic of Birt-Hogg-Dube syndrome (Toro JR et al. J. Med. Genet. 2008 Jun;45:321-31). Of note, this alteration is also known as IVS12+1G>A in published literature. This nucleotide position is highly conserved in available vertebrate species. In silico splice site analysis predicts that this alteration will weaken the native splice donor site and may result in the creation or strengthening of a novel splice donor site. RNA studies have demonstrated that this alteration results in abnormal splicing in the set of samples tested (Ambry internal data). In addition to the clinical data presented in the literature, alterations that disrupt the canonical splice site are expected to cause aberrant splicing, resulting in an abnormal protein or a transcript that is subject to nonsense-mediated mRNA decay. As such, this alteration is classified as a disease-causing mutation.

Fulgent Genetics
Classification: Likely pathogenic for Colorectal cancer; Birt-Hogg-Dube syndrome 1; Nonpapillary renal cell carcinoma; Familial spontaneous pneumothorax. Last evaluated: 2024-06-18. Review status: criteria provided, single submitter. Criteria: ACMG Guidelines, 2015. Collection method: clinical testing. Allele origin: germline.

ARUP Laboratories, Molecular Genetics and Genomics, ARUP Laboratories
Classification: Pathogenic. Last evaluated: 2024-03-29. Review status: criteria provided, single submitter. Criteria: ARUP Molecular Germline Variant Investigation Process 2024. Collection method: clinical testing. Allele origin: germline.
Comment: The FLCN c.1432+1G>A variant (rs755959303), also known as IVS12+1G>A, is reported in the literature in an individual with Birt-Hogg-Dube syndrome (Toro 2008) and an individual with colorectal cancer (Dobbins 2016). This variant is classified as likely pathogenic or pathogenic in ClinVar (Variation ID: 253252). It is absent from general population databases (1000 Genomes Project, Exome Variant Server, and Genome Aggregation Database), indicating it is not a common polymorphism. This variant abolishes the canonical splice donor site of intron 12, which is likely to disrupt gene function. Based on available information, this variant is considered to be pathogenic. REFERENCES Dobbins SE et al. Undefined familial colorectal cancer and the role of pleiotropism in cancer susceptibility genes. Fam Cancer. 2016 Oct;15(4):593-9. Toro JR et al. BHD mutations, clinical and molecular genetic investigations of Birt-Hogg-Dube syndrome: a new series of 50 families and a review of published reports. J Med Genet. 2008 Jun;45(6):321-31.

GeneDx
Classification: Pathogenic. Last evaluated: 2023-07-13. Review status: criteria provided, single submitter. Criteria: GeneDx Variant Classification Process June 2021. Collection method: clinical testing. Allele origin: germline. Affected: yes.
Comment: Not observed at significant frequency in large population cohorts (gnomAD); Canonical splice site variant predicted to result in an in-frame loss of the adjacent exon in a gene for which loss of function is a known mechanism of disease; Deletions involving coding exons of this gene are a known mechanism of disease (HGMD); This variant is associated with the following publications: (PMID: 25525159, 21937013, 27356891, 19802896, 15852235, 29357828, 18234728, 17028174, 37417625)

Mayo Clinic Laboratories, Mayo Clinic
Classification: Likely pathogenic. Last evaluated: 2022-08-30. Review status: criteria provided, single submitter. Criteria: ACMG Guidelines, 2015. Collection method: clinical testing. Allele origin: germline. Observed: 2 variant alleles.
Comment: PP4, PM2, PVS1_moderate

Genomic Diagnostic Laboratory, Division of Genomic Diagnostics, Children's Hospital of Philadelphia
Classification: Pathogenic for Birt-Hogg-Dube Syndrome. Last evaluated: 2016-07-18. Review status: criteria provided, single submitter. Criteria: DGD Variant Analysis Guidelines. Collection method: clinical testing. Allele origin: germline. Affected: yes. Observed: 1 variant allele.
Comment: Clinical Testing

Literature cited by the submitters: PubMed 18234728 (cited by 4 submitters); PubMed 27356891 (cited by 3 submitters); PubMed 33789101 (cited by Women's Health and Genetics/Laboratory Corporation of America, LabCorp); PubMed 39272843 (cited by Women's Health and Genetics/Laboratory Corporation of America, LabCorp and Quest Diagnostics Nichols Institute San Juan Capistrano); PubMed 37417625 (cited by Quest Diagnostics Nichols Institute San Juan Capistrano).